The following is an entry in ClinVar:

ClinVar aggregate classification (germline): Uncertain significance (1 of 4 stars; one submission).

Allele frequency attached by ClinVar (database versions not stated): ExAC 0.00001; gnomAD 0.00001; TOPMed 0.00003.
gnomAD v4.1: 2 of 1,613,614 alleles (0.00012%); highest among the groups gnomAD compares: African/African-American, 0.0027%; no homozygotes.

Submission:

Labcorp Genetics (formerly Invitae), Labcorp
Classification: Uncertain significance. Last evaluated: 2022-10-18. Review status: criteria provided, single submitter. Criteria: Invitae Variant Classification Sherloc (09022015). Collection method: clinical testing. Allele origin: germline.
Comment: This sequence change replaces aspartic acid, which is acidic and polar, with valine, which is neutral and non-polar, at codon 309 of the CASQ1 protein (p.Asp309Val). This variant is present in population databases (rs754247283, gnomAD 0.007%). This variant has not been reported in the literature in individuals affected with CASQ1-related conditions. Advanced modeling of protein sequence and biophysical properties (such as structural, functional, and spatial information, amino acid conservation, physicochemical variation, residue mobility, and thermodynamic stability) performed at Invitae indicates that this missense variant is not expected to disrupt CASQ1 protein function. In summary, the available evidence is currently insufficient to determine the role of this variant in disease. Therefore, it has been classified as a Variant of Uncertain Significance.

NM_001231.5(CASQ1):c.926A>T (p.Asp309Val)

Gene: CASQ1 (calsequestrin 1; plus strand). Cytogenetic location: 1q23.2.
Variant type: single nucleotide variant.
Coding change: c.926A>T on transcript NM_001231.5 (MANE Select); coding-DNA position 926, A replaced by T.
Protein change: p.Asp309Val; replaces aspartic acid 309 with valine.
Molecular consequence: missense variant.
Genome position (GRCh38, 1-based): chr1:160,198,995, A>T. VCF-style: chr1-160198995-A-T. GRCh37 (hg19) VCF-style: chr1-160168785-A-T.
Other names: short protein forms D309V.
Identifiers: ClinVar variation 1938310 (VCV001938310.5), dbSNP rs754247283, ClinGen allele CA1196401.
Genomic context (GRCh38, chr1:160,198,995, plus strand): 5'-ACTTGTGTTCCCTCCAAGATGGTTTCGAGTTCTTAGAGACTCTCAAGGCTGTGGCCCAAG[A>T]TAACACTGAAAACCCAGATCTTAGCATCATCTGGATTGACCCTGATGACTTCCCCCTGGT-3'
Protein context (NP_001222.3, residues 299-319): FLETLKAVAQ[Asp309Val]NTENPDLSII